The following is an entry in ClinVar:

NC_012920.1(MT-TV):m.1643A>G

Gene: MT-TV (mitochondrially encoded tRNA valine; plus strand).
Variant type: single nucleotide variant.
Genome position: chrM-1643-A-G.
Identifiers: ClinVar variation 684496 (VCV000684496.3), dbSNP rs1603218595, ClinGen allele CA913163367.

ClinVar aggregate classification (germline): Uncertain significance (1 of 4 stars; one submission).

Conditions:
MELAS syndrome (MELAS). Also called: Juvenile myopathy, encephalopathy, lactic acidosis, stroke. Identifiers: Orphanet 550, MedGen C0162671, MONDO:0010789, OMIM 540000.

Submission:

Wong Mito Lab, Molecular and Human Genetics, Baylor College of Medicine
Classification: Uncertain significance for MELAS syndrome. Last evaluated: 2019-07-12. Review status: criteria provided, single submitter. Criteria: Modified ACMG Guidelines (Unpublished). Collection method: clinical testing. Allele origin: germline.
Comment: The NC_012920.1:m.1643A>G variant in MT-TV gene is interpreted to be a Unknown Significance variant based on the modified ACMG guidelines (unpublished). This variant meets the following evidence codes reported in the guidelines: PM10, PP6

Literature cited by the submitters: PubMed 31965079 (cited by Wong Mito Lab, Molecular and Human Genetics, Baylor College of Medicine).